The following is an entry in ClinVar:

ClinVar aggregate classification (germline): Benign/Likely benign. Review status: criteria provided, multiple submitters, no conflicts (2 of 4 stars). 6 submissions from 6 submitters: Benign (3); Likely benign (2). 1 of the submissions does not count toward it. Last evaluated 2026-09-01.

Conditions:
C6-related disorder. Also called: C6-related condition.
Complement component 6 deficiency (C6D). Also called: C6 DEFICIENCY. Identifiers: MedGen C2676232, MONDO:0012908, OMIM 612446.

Allele frequency attached by ClinVar (database versions not stated): 1000 Genomes Project 0.00339; 1000 Genomes Project 30x 0.00344; ExAC 0.00692; gnomAD exomes 0.00699; TOPMed 0.00735; gnomAD 0.00744 and 0.00752; ESP Exome Variant Server 0.00946.
gnomAD v4.1: 16,695 of 1,613,696 alleles (1%); highest among the groups gnomAD compares: Non-Finnish European, 1.3%; 120 homozygotes.

Submissions (14):

CeGaT Center for Human Genetics Tuebingen
Classification: Benign. Last evaluated: 2026-09-01. Review status: criteria provided, single submitter. Criteria: CeGaT Center For Human Genetics Tuebingen Variant Classification Criteria Version 2. Collection method: clinical testing. Allele origin: germline. Affected: yes. Observed: 9 variant alleles.
Comment: C6: BP4, BS1, BS2

Labcorp Genetics (formerly Invitae), Labcorp
Classification: Benign. Last evaluated: 2026-02-01. Review status: criteria provided, single submitter. Criteria: Invitae Variant Classification Sherloc (09022015). Collection method: clinical testing. Allele origin: germline.

Women's Health and Genetics/Laboratory Corporation of America, LabCorp
Classification: Likely benign. Last evaluated: 2026-01-22. Review status: criteria provided, single submitter. Criteria: LabCorp Variant Classification Summary - May 2015. Collection method: clinical testing. Allele origin: germline.

Fulgent Genetics
Classification: Likely benign for Complement component 6 deficiency. Last evaluated: 2022-04-11. Review status: criteria provided, single submitter. Criteria: ACMG Guidelines, 2015. Collection method: clinical testing. Allele origin: unknown.

Breakthrough Genomics
Classification: Benign. Review status: criteria provided, single submitter. Criteria: ACMG Guidelines, 2015. Collection method: not provided. Allele origin: germline. Inheritance: Autosomal recessive inheritance. Affected: yes.

PreventionGenetics, part of Exact Sciences
Classification: Benign for C6-related condition. Last evaluated: 2019-08-05. Review status: no assertion criteria provided. Collection method: clinical testing. Allele origin: germline. Not counted in ClinVar's aggregate classification.
Comment: This variant is classified as benign based on ACMG/AMP sequence variant interpretation guidelines (Richards et al. 2015 PMID: 25741868, with internal and published modifications).

Dr. Peter K. Rogan Lab, Western University
No classification provided (evidence only). Condition: Clear cell carcinoma of kidney. Review status: no classification provided. Collection method: in vitro. Allele origin: not applicable. Functional consequence: retained intron. Not counted in ClinVar's aggregate classification.

Dr. Peter K. Rogan Lab, Western University
No classification provided (evidence only). Condition: Clear cell carcinoma of kidney. Review status: no classification provided. Collection method: in vitro. Allele origin: not applicable. Functional consequence: skipped exon. Not counted in ClinVar's aggregate classification.

Dr. Peter K. Rogan Lab, Western University
No classification provided (evidence only). Condition: Clear cell carcinoma of kidney. Review status: no classification provided. Collection method: in vitro. Allele origin: not applicable. Functional consequence: retained intron. Not counted in ClinVar's aggregate classification.

Dr. Peter K. Rogan Lab, Western University
No classification provided (evidence only). Condition: Melanoma. Review status: no classification provided. Collection method: in vitro. Allele origin: not applicable. Functional consequence: skipped exon. Not counted in ClinVar's aggregate classification.

Dr. Peter K. Rogan Lab, Western University
No classification provided (evidence only). Condition: Hepatocellular carcinoma. Review status: no classification provided. Collection method: in vitro. Allele origin: not applicable. Functional consequence: skipped exon, retained intron. Not counted in ClinVar's aggregate classification.

Dr. Peter K. Rogan Lab, Western University
No classification provided (evidence only). Condition: Hepatocellular carcinoma. Review status: no classification provided. Collection method: in vitro. Allele origin: not applicable. Functional consequence: skipped exon, retained intron. Not counted in ClinVar's aggregate classification.

Dr. Peter K. Rogan Lab, Western University
No classification provided (evidence only). Condition: Hepatocellular carcinoma. Review status: no classification provided. Collection method: in vitro. Allele origin: not applicable. Functional consequence: skipped exon. Not counted in ClinVar's aggregate classification.

Dr. Peter K. Rogan Lab, Western University
No classification provided (evidence only). Condition: Cholangiocarcinoma. Review status: no classification provided. Collection method: in vitro. Allele origin: not applicable. Functional consequence: retained intron. Not counted in ClinVar's aggregate classification.

NM_000065.5(C6):c.2087A>G (p.Asp696Gly)

Gene: C6 (complement C6; minus strand). Cytogenetic location: 5p13.1.
Variant type: single nucleotide variant.
Coding change: c.2087A>G on transcript NM_000065.5 (MANE Select); coding-DNA position 2087, A replaced by G.
Protein change: p.Asp696Gly; replaces aspartic acid 696 with glycine.
Molecular consequence: missense variant.
Genome position (GRCh38, 1-based): chr5:41,154,986, T>C on the plus strand (A>G on the coding strand, the complement: C6 is on the minus strand). VCF-style: chr5-41154986-T-C. GRCh37 (hg19) VCF-style: chr5-41155088-T-C.
Other names: c.2087A>G, p.Asp696Gly (NM_001115131.4); short protein forms D696G.
Identifiers: ClinVar variation 770718 (VCV000770718.37), dbSNP rs41271067, ClinGen allele CA3252222.